The following is an entry in ClinVar:

ClinVar aggregate classification (germline): Pathogenic (1 of 4 stars; one submission).

Submission:

Labcorp Genetics (formerly Invitae), Labcorp
Classification: Pathogenic. Last evaluated: 2024-08-12. Review status: criteria provided, single submitter. Criteria: Invitae Variant Classification Sherloc (09022015). Collection method: clinical testing. Allele origin: germline.
Comment: This sequence change creates a premature translational stop signal (p.Gly1713Valfs*3) in the CENPF gene. It is expected to result in an absent or disrupted protein product. Loss-of-function variants in CENPF are known to be pathogenic (PMID: 25564561, 26820108). This variant is not present in population databases (gnomAD no frequency). This variant has not been reported in the literature in individuals affected with CENPF-related conditions. ClinVar contains an entry for this variant (Variation ID: 1456827). For these reasons, this variant has been classified as Pathogenic.

Literature cited by the submitters: PubMed 25564561; PubMed 26820108.

NM_016343.4(CENPF):c.5136del (p.Gly1713fs)

Gene: CENPF (centromere protein F; plus strand). Cytogenetic location: 1q41.
Variant type: Deletion.
Coding change: c.5136del on transcript NM_016343.4 (MANE Select); coding-DNA position 5136, one base deleted (T; older notation c.5136delT).
Protein change: p.Gly1713fs; shifts the reading frame from glycine 1713.
Molecular consequence: frameshift variant.
Genome position (GRCh38, 1-based): chr1:214,644,706, T deleted. VCF-style (leftmost placement, unchanged base first): chr1-214644705-CT-C. GRCh37 (hg19) VCF-style: chr1-214818048-CT-C.
Other names: short protein forms G1713fs.
Identifiers: ClinVar variation 1456827 (VCV001456827.6), dbSNP rs2102564388, ClinGen allele CA2573131657.